The following is an entry in ClinVar:

ClinVar aggregate classification (germline): Benign/Likely benign. Review status: criteria provided, multiple submitters, no conflicts (2 of 4 stars). 9 submissions from 9 submitters: Benign (4); Likely benign (2). 3 of the submissions do not count toward it. Last evaluated 2026-05-09.

Conditions:
Deficiency of iodide peroxidase (TDH2A). Also called: Thyroid dyshormonogenesis 2A; THYROID HORMONOGENESIS, GENETIC DEFECT IN, 2A; THYROID PEROXIDASE DEFICIENCY; HYPOTHYROIDISM, CONGENITAL, DUE TO DYSHORMONOGENESIS, 2A; IODIDE PEROXIDASE DEFICIENCY. Identifiers: Orphanet 95716, MedGen C1291299, MONDO:0010133, OMIM 274500.

Allele frequency attached by ClinVar (database versions not stated): ESP Exome Variant Server 0.40689; 1000 Genomes Project 30x 0.40709; 1000 Genomes Project 0.40815; gnomAD 0.43464 and 0.43513; TOPMed 0.43479; ExAC 0.45782; gnomAD exomes 0.47041 and 0.47149.
gnomAD v4.1: 716,772 of 1,533,934 alleles (47%); highest among the groups gnomAD compares: Non-Finnish European, 48%; 168,675 homozygotes.

Submissions (9):

Women's Health and Genetics/Laboratory Corporation of America, LabCorp
Classification: Likely benign. Last evaluated: 2026-05-09. Review status: criteria provided, single submitter. Criteria: LabCorp Variant Classification Summary - May 2015. Collection method: clinical testing. Allele origin: germline.

Labcorp Genetics (formerly Invitae), Labcorp
Classification: Benign. Last evaluated: 2026-02-04. Review status: criteria provided, single submitter. Criteria: Invitae Variant Classification Sherloc (09022015). Collection method: clinical testing. Allele origin: germline.

Blueprint Genetics
Classification: Likely benign. Last evaluated: 2024-11-26. Review status: criteria provided, single submitter. Criteria: ACMG Guidelines, 2015. Collection method: clinical testing. Allele origin: germline.

Illumina Laboratory Services, Illumina
Classification: Benign for Deficiency of iodide peroxidase. Last evaluated: 2018-01-13. Review status: criteria provided, single submitter. Criteria: ICSL Variant Classification Criteria 13 December 2019. Collection method: clinical testing. Allele origin: germline.
Comment: This variant was observed in the ICSL laboratory as part of a predisposition screen in an ostensibly healthy population. It had not been previously curated by ICSL or reported in the Human Gene Mutation Database (HGMD: prior to June 1st, 2018), and was therefore a candidate for classification through an automated scoring system. Utilizing variant allele frequency, disease prevalence and penetrance estimates, and inheritance mode, an automated score was calculated to assess if this variant is too frequent to cause the disease. Based on the score and internal cut-off values, a variant classified as benign is not then subjected to further curation. The score for this variant resulted in a classification of benign for this disease.

Breakthrough Genomics
Classification: Benign. Review status: criteria provided, single submitter. Criteria: ACMG Guidelines, 2015. Collection method: not provided. Allele origin: germline. Inheritance: Autosomal recessive inheritance. Affected: yes.

PreventionGenetics, part of Exact Sciences
Classification: Benign. Review status: criteria provided, single submitter. Criteria: ACMG Guidelines, 2015. Collection method: clinical testing. Allele origin: germline.

Clinical Genetics DNA and cytogenetics Diagnostics Lab, Erasmus MC, Erasmus Medical Center
Classification: Benign. Review status: no assertion criteria provided. Collection method: clinical testing. Allele origin: germline. Affected: yes. Study: VKGL Data-share Consensus. Not counted in ClinVar's aggregate classification.

Clinical Genetics, Academic Medical Center
Classification: Benign. Review status: no assertion criteria provided. Collection method: clinical testing. Allele origin: germline. Affected: yes. Study: VKGL Data-share Consensus. Not counted in ClinVar's aggregate classification.

Diagnostic Laboratory, Department of Genetics, University Medical Center Groningen
Classification: Benign for Deficiency of iodide peroxidase. Review status: no assertion criteria provided. Collection method: clinical testing. Allele origin: germline. Affected: yes. Study: VKGL Data-share Consensus. Not counted in ClinVar's aggregate classification.

NM_001206744.2(TPO):c.1117G>T (p.Ala373Ser)

Gene: TPO (thyroid peroxidase; plus strand). Cytogenetic location: 2p25.3.
Variant type: single nucleotide variant.
Coding change: c.1117G>T on transcript NM_001206744.2 (MANE Select); coding-DNA position 1117, G replaced by T.
Protein change: p.Ala373Ser; replaces alanine 373 with serine.
Molecular consequence: missense variant. On other transcripts: intron variant (1).
Genome position (GRCh38, 1-based): chr2:1,477,383, G>T. VCF-style: chr2-1477383-G-T. GRCh37 (hg19) VCF-style: chr2-1481155-G-T.
Other names: c.1117G>T, p.Ala373Ser (NM_000547.6, NM_001206745.2, NM_175719.4 and 1 more transcripts); c.820-7213G>T (NM_175722.3); short protein forms A373S.
Identifiers: ClinVar variation 256605 (VCV000256605.15), dbSNP rs2280132, ClinGen allele CA1511662.